The following is an entry in ClinVar:

ClinVar aggregate classification (germline): Likely benign (1 of 4 stars; one submission).

Conditions:
Maturity-onset diabetes of the young (MODY). Also called: Maturity onset diabetes mellitus in young. Identifiers: Orphanet 552, MedGen C0342276, MONDO:0018911, HP:0004904.

Submission:

Clinical Genomics, Uppaluri K&H Personalized Medicine Clinic
Classification: Likely benign for Maturity-onset diabetes of the young. Review status: criteria provided, single submitter. Criteria: K & H Uppaluri Personalized Medicine Clinic Variant Classification & Assertion Criteria_Updated V.1. Collection method: research. Allele origin: unknown. Inheritance: Autosomal dominant inheritance.
Comment: HNF1B gene mutations are associated with early onset diabetes and pancreatic atrophy. It is also associated with multiple renal manifestations including renal cysts, Tubulointerstitial disease, glomerulocystic disease, renal hypoplasia, hypomagnesemia. However no sufficient evidence is found to ascertain the role of this particular variant rs2032548578, yet.

Literature cited by the submitters: PubMed 24897035; PubMed 25536396; PubMed 27615128; PubMed 28215227; PubMed 33434175; PubMed 25741167; PubMed 26340261; PubMed 19639018.

NM_000458.4(HNF1B):c.1505C>A (p.Ala502Glu)

Gene: HNF1B (HNF1 homeobox B; minus strand). Cytogenetic location: 17q12.
Variant type: single nucleotide variant.
Coding change: c.1505C>A on transcript NM_000458.4 (MANE Select); coding-DNA position 1505, C replaced by A.
Protein change: p.Ala502Glu; replaces alanine 502 with glutamic acid.
Molecular consequence: missense variant. On other transcripts: intron variant (1).
Genome position (GRCh38, 1-based): chr17:37,701,012, G>T on the plus strand (C>A on the coding strand, the complement: HNF1B is on the minus strand). VCF-style: chr17-37701012-G-T. GRCh37 (hg19) VCF-style: chr17-36061017-G-T.
Other names: c.1427C>A, p.Ala476Glu (NM_001165923.4); c.1505C>A, p.Ala502Glu (NM_001411100.1); c.1261+3905C>A (NM_001304286.2); short protein forms A476E, A502E.
Identifiers: ClinVar variation 1802668 (VCV001802668.1), dbSNP rs2032548578, ClinGen allele CA398754753.
Genomic context (GRCh38, chr17:37,701,012, plus strand): 5'-GCTCCCTCCCTCCACATGCCCGTGTCCTTACTGTGTGAGTTCTGCAGCTGAGTCACAGCT[G>T]CCATGAAGGGCTGCTGGGCCATGTGGCTGCCTGGGCTCTGCTGCATGAGGGGCTGCTGGT-3'
Protein context (NP_000449.1, residues 492-512): GSHMAQQPFM[Ala502Glu]AVTQLQNSHM